The following is an entry in ClinVar:

ClinVar aggregate classification (germline): Uncertain significance (1 of 4 stars; one submission).

Submission:

Labcorp Genetics (formerly Invitae), Labcorp
Classification: Uncertain significance. Last evaluated: 2022-10-29. Review status: criteria provided, single submitter. Criteria: Invitae Variant Classification Sherloc (09022015). Collection method: clinical testing. Allele origin: germline.
Comment: In summary, the available evidence is currently insufficient to determine the role of this variant in disease. Therefore, it has been classified as a Variant of Uncertain Significance. Algorithms developed to predict the effect of missense changes on protein structure and function (SIFT, PolyPhen-2, Align-GVGD) all suggest that this variant is likely to be tolerated. This variant has not been reported in the literature in individuals affected with SIN3A-related conditions. This variant is not present in population databases (gnomAD no frequency). This sequence change replaces valine, which is neutral and non-polar, with leucine, which is neutral and non-polar, at codon 12 of the SIN3A protein (p.Val12Leu).

NM_001145358.2(SIN3A):c.34G>T (p.Val12Leu)

Gene: SIN3A (SIN3 transcription regulator family member A; minus strand). Cytogenetic location: 15q24.2.
Variant type: single nucleotide variant.
Coding change: c.34G>T on transcript NM_001145358.2 (MANE Select); coding-DNA position 34, G replaced by T.
Protein change: p.Val12Leu; replaces valine 12 with leucine.
Molecular consequence: missense variant.
Genome position (GRCh38, 1-based): chr15:75,430,342, C>A on the plus strand (G>T on the coding strand, the complement: SIN3A is on the minus strand). VCF-style: chr15-75430342-C-A. GRCh37 (hg19) VCF-style: chr15-75722683-C-A.
Other names: c.34G>T, p.Val12Leu (NM_001145357.2, NM_015477.3); short protein forms V12L.
Identifiers: ClinVar variation 2810569 (VCV002810569.3), dbSNP rs2542789175, ClinGen allele CA393462075.